The following is an entry in ClinVar:

NM_004115.4(FGF14):c.*554G>A

Gene: FGF14 (fibroblast growth factor 14; minus strand). Cytogenetic location: 13q33.1.
Variant type: single nucleotide variant.
Coding change: c.*554G>A on transcript NM_004115.4 (MANE Select); 554 bases downstream of the stop codon, G replaced by A.
Molecular consequence: 3 prime UTR variant.
Genome position (GRCh38, 1-based): chr13:101,722,277, C>T on the plus strand (G>A on the coding strand, the complement: FGF14 is on the minus strand). VCF-style: chr13-101722277-C-T. GRCh37 (hg19) VCF-style: chr13-102374627-C-T.
Other names: c.*554G>A (NM_001321931.1, NM_001321932.1, NM_001321933.1 and 17 more transcripts).
Identifiers: ClinVar variation 310886 (VCV000310886.5), dbSNP rs141793298, ClinGen allele CA10643637.
Genomic context (GRCh38, chr13:101,722,277, plus strand): 5'-TTTATAGATGCAATTTGTAATAATAGGTTTAGAAGGCTTCCTGATTCCCTGATTGCTCTC[C>T]GACCTAAGCCAACTGCAACATTTAAGATTTAGAGGAACAAAATCCCTGCAAAAGGTCACA-3'

ClinVar aggregate classification (germline): Benign (1 of 4 stars; one submission).

Conditions:
Spinocerebellar ataxia type 27 (SCA27). Identifiers: Orphanet 98764, MedGen C1836383, MONDO:0012247.

Allele frequency attached by ClinVar (database versions not stated): gnomAD 0.00557 and 0.00603; gnomAD exomes 0.00683; TOPMed 0.00723; 1000 Genomes Project 0.01298; 1000 Genomes Project 30x 0.01452.
gnomAD v4.1: 1,123 of 182,258 alleles (0.62%); highest among the groups gnomAD compares: East Asian, 3%; 13 homozygotes.

Submission:

Illumina Laboratory Services, Illumina
Classification: Benign for Spinocerebellar ataxia 27A. Last evaluated: 2018-01-12. Review status: criteria provided, single submitter. Criteria: ICSL Variant Classification Criteria 13 December 2019. Collection method: clinical testing. Allele origin: germline.
Comment: This variant was observed in the ICSL laboratory as part of a predisposition screen in an ostensibly healthy population. It had not been previously curated by ICSL or reported in the Human Gene Mutation Database (HGMD: prior to June 1st, 2018), and was therefore a candidate for classification through an automated scoring system. Utilizing variant allele frequency, disease prevalence and penetrance estimates, and inheritance mode, an automated score was calculated to assess if this variant is too frequent to cause the disease. Based on the score and internal cut-off values, a variant classified as benign is not then subjected to further curation. The score for this variant resulted in a classification of benign for this disease.